The following is an entry in ClinVar:

ClinVar aggregate classification (germline): Benign (0 of 4 stars; one submission).

Conditions:
CSMD1-related disorder. Also called: CSMD1-related condition.

Allele frequency attached by ClinVar (database versions not stated): TOPMed 0.00020; gnomAD 0.00082; gnomAD exomes 0.00133; 1000 Genomes Project 30x 0.00531; ExAC 0.00612; 1000 Genomes Project 0.00639.
gnomAD v4.1: 2,034 of 1,567,484 alleles (0.13%); highest among the groups gnomAD compares: South Asian, 2.2%; 45 homozygotes.

Submission:

PreventionGenetics, part of Exact Sciences
Classification: Benign for CSMD1-related condition. Last evaluated: 2021-04-20. Review status: no assertion criteria provided. Collection method: clinical testing. Allele origin: germline.
Comment: This variant is classified as benign based on ACMG/AMP sequence variant interpretation guidelines (Richards et al. 2015 PMID: 25741868, with internal and published modifications).

NM_033225.6(CSMD1):c.10405C>G (p.Pro3469Ala)

Genes: CSMD1 (CUB and Sushi multiple domains 1; minus strand), LOC105377785 (uncharacterized LOC105377785; plus strand). Cytogenetic location: 8p23.2.
Variant type: single nucleotide variant.
Coding change: c.10405C>G on transcript NM_033225.6 (MANE Select); coding-DNA position 10405, C replaced by G.
Protein change: p.Pro3469Ala; replaces proline 3469 with alanine.
Molecular consequence: missense variant.
Genome position (GRCh38, 1-based): chr8:2,942,602, G>C on the plus strand (C>G on the coding strand, the complement: CSMD1 is on the minus strand). VCF-style: chr8-2942602-G-C. GRCh37 (hg19) VCF-style: chr8-2800124-G-C.
Other names: short protein forms P3469A.
Identifiers: ClinVar variation 3045826 (VCV003045826.2), dbSNP rs375524577, ClinGen allele CA4604746.
Genomic context (GRCh38, chr8:2,942,602, plus strand): 5'-CCACAGAGCCACTGCTGGTGCCGTGGTAATGACTGGAAGAGTCTTGATCTGGGTTTAAAG[G>C]ATCTGTAAGATAAAGGAAATATTAAATTTGTTGTTACTGTACTCTGCTTAAACAAATACA-3'
Protein context (NP_150094.5, residues 3459-3479): FGKFKLERQD[Pro3469Ala]LNPDQDSSSH